The following is an entry in ClinVar:

NM_005566.4(LDHA):c.943C>T (p.Arg315Cys)

Gene: LDHA (lactate dehydrogenase A; plus strand). Cytogenetic location: 11p15.1.
Variant type: single nucleotide variant.
Coding change: c.943C>T on transcript NM_005566.4 (MANE Select); coding-DNA position 943, C replaced by T.
Protein change: p.Arg315Cys; replaces arginine 315 with cysteine.
Molecular consequence: missense variant. On other transcripts: 3 prime UTR variant (1), non-coding transcript variant (1), intron variant (1).
Genome position (GRCh38, 1-based): chr11:18,407,225, C>T. VCF-style: chr11-18407225-C-T. GRCh37 (hg19) VCF-style: chr11-18428772-C-T.
Other names: c.769C>T, p.Arg257Cys (NM_001135239.2); c.1030C>T, p.Arg344Cys (NM_001165414.2); c.*93C>T (NM_001165416.2); c.688-14C>T (NM_001165415.2); short protein forms R315C, R257C, R344C.
Identifiers: ClinVar variation 2068653 (VCV002068653.1), dbSNP rs200093825, ClinGen allele CA5911440.

ClinVar aggregate classification (germline): Uncertain significance (1 of 4 stars; one submission).

Conditions:
Glycogen storage disease due to lactate dehydrogenase M-subunit deficiency (GSD11). Also called: Glycogen storage disease XI; GSD XI; LACTATE DEHYDROGENASE A DEFICIENCY. Identifiers: Orphanet 284426, MedGen C2931743, MONDO:0013047, OMIM 612933.

Allele frequency attached by ClinVar (database versions not stated): gnomAD 0.00001; gnomAD exomes 0.00001; TOPMed 0.00001; ExAC 0.00001.
gnomAD v4.1: 20 of 1,613,324 alleles (0.0012%); highest among the groups gnomAD compares: Admixed American, 0.005%; no homozygotes.

Submission:

Labcorp Genetics (formerly Invitae), Labcorp
Classification: Uncertain significance for Glycogen storage disease due to lactate dehydrogenase M-subunit deficiency. Last evaluated: 2022-03-31. Review status: criteria provided, single submitter. Criteria: Invitae Variant Classification Sherloc (09022015). Collection method: clinical testing. Allele origin: germline.
Comment: This sequence change replaces arginine, which is basic and polar, with cysteine, which is neutral and slightly polar, at codon 315 of the LDHA protein (p.Arg315Cys). This variant is present in population databases (rs200093825, gnomAD 0.003%). This variant has not been reported in the literature in individuals affected with LDHA-related conditions. Algorithms developed to predict the effect of missense changes on protein structure and function output the following: SIFT: "Deleterious"; PolyPhen-2: "Benign"; Align-GVGD: "Class C0". The cysteine amino acid residue is found in multiple mammalian species, which suggests that this missense change does not adversely affect protein function. In summary, the available evidence is currently insufficient to determine the role of this variant in disease. Therefore, it has been classified as a Variant of Uncertain Significance.